The following is an entry in ClinVar:

ClinVar aggregate classification (germline): Pathogenic/Likely pathogenic. Review status: criteria provided, multiple submitters, no conflicts (2 of 4 stars). 2 submissions from 2 submitters: Pathogenic (1); Likely pathogenic (1). Last evaluated 2023-10-11.

Conditions:
Snijders blok-fisher syndrome. Identifiers: Orphanet 656135, MedGen C5231424, MONDO:0032830, OMIM 618604.

Submissions (2):

GeneDx
Classification: Pathogenic. Last evaluated: 2023-10-11. Review status: criteria provided, single submitter. Criteria: GeneDx Variant Classification Process June 2021. Collection method: clinical testing. Allele origin: germline. Affected: yes.
Comment: Nonsense variant predicted to result in protein truncation, as the last 314 amino acids are lost, and other loss-of-function variants have been reported downstream in HGMD; Not observed at significant frequency in large population cohorts (gnomAD); Has not been previously published as pathogenic or benign to our knowledge

Diagnostics Services (NGS), CSIR - Centre For Cellular And Molecular Biology
Classification: Likely pathogenic for Snijders blok-fisher syndrome. Last evaluated: 2023-07-06. Review status: criteria provided, single submitter. Criteria: ACMG Guidelines, 2015. Collection method: clinical testing. Allele origin: unknown. Affected: yes. Observed: 1 variant allele, 1 heterozygote.
Comment: The c.561G>A variant is not present in publicly available population databases like 1000 Genome, ExAC, EVS, Indian Exome Database or our in-house exome database. The variant has neither been published nor reported in clinical databases like ClinVar, HGMD or OMIM. In-silico pathogenicity prediction programs like MutationTaster2, CADD, Varsome, Franklin etc predicted this variant to be likely deleterious, however these are not confirmed by any functional studies. This variant creates a premature translational stop signal at the 187th amino acid position of the original transcript that may either result in translation of a truncated protein or cause nonsense-mediated decay of the mRNA.

NM_006236.3(POU3F3):c.561G>A (p.Trp187Ter)

Gene: POU3F3 (POU class 3 homeobox 3; plus strand). Cytogenetic location: 2q12.1.
Variant type: single nucleotide variant.
Coding change: c.561G>A on transcript NM_006236.3 (MANE Select); coding-DNA position 561, G replaced by A.
Protein change: p.Trp187Ter; replaces tryptophan 187 with a stop codon.
Molecular consequence: nonsense.
Genome position (GRCh38, 1-based): chr2:104,856,071, G>A. VCF-style: chr2-104856071-G-A. GRCh37 (hg19) VCF-style: chr2-105472529-G-A.
Other names: c.561G>A (NM_006236.1); short protein forms W187*.
Identifiers: ClinVar variation 2573200 (VCV002573200.2), dbSNP rs2466875541, ClinGen allele CA348097011.